The following is an entry in ClinVar:

ClinVar aggregate classification (germline): Uncertain significance. Review status: criteria provided, multiple submitters, no conflicts (2 of 4 stars). 3 submissions from 3 submitters: Uncertain significance (3). Last evaluated 2024-11-10.

Conditions:
Dilated Cardiomyopathy, Dominant.
Hypertrophic cardiomyopathy 26. Also called: Cardiomyopathy, familial hypertrophic, 26. Identifiers: Orphanet 75249, MedGen C4310749, MONDO:0014883, OMIM 617047.
Myofibrillar myopathy 5. Also called: Filaminopathy (type); FILAMINOPATHY, AUTOSOMAL DOMINANT. Identifiers: Orphanet 171445, MedGen C1836050, MONDO:0012289, OMIM 609524.
Distal myopathy with posterior leg and anterior hand involvement. Also called: WILLIAMS DISTAL MYOPATHY. Identifiers: Orphanet 63273, MedGen C3279722, MONDO:0013550, OMIM 614065.
Cardiovascular phenotype. Identifiers: MedGen CN230736.

gnomAD v4.1: 1 of 1,614,130 alleles (0.000062%); highest among the groups gnomAD compares: Non-Finnish European, 0.000085%; no homozygotes.

Submissions (3):

Ambry Genetics
Classification: Uncertain significance for Cardiovascular phenotype. Last evaluated: 2024-11-10. Review status: criteria provided, single submitter. Criteria: Ambry Variant Classification Scheme 2023. Collection method: clinical testing. Allele origin: germline.
Comment: The p.E2104Q variant (also known as c.6310G>C), located in coding exon 38 of the FLNC gene, results from a G to C substitution at nucleotide position 6310. The glutamic acid at codon 2104 is replaced by glutamine, an amino acid with highly similar properties. This amino acid position is conserved. In addition, the in silico prediction for this alteration is inconclusive. Based on the available evidence, the clinical significance of this variant remains unclear.

Labcorp Genetics (formerly Invitae), Labcorp
Classification: Uncertain significance for Distal myopathy with posterior leg and anterior hand involvement; Myofibrillar myopathy 5; Hypertrophic cardiomyopathy 26. Last evaluated: 2023-05-05. Review status: criteria provided, single submitter. Criteria: Invitae Variant Classification Sherloc (09022015). Collection method: clinical testing. Allele origin: germline.
Comment: In summary, the available evidence is currently insufficient to determine the role of this variant in disease. Therefore, it has been classified as a Variant of Uncertain Significance. Advanced modeling of protein sequence and biophysical properties (such as structural, functional, and spatial information, amino acid conservation, physicochemical variation, residue mobility, and thermodynamic stability) has been performed at Invitae for this missense variant, however the output from this modeling did not meet the statistical confidence thresholds required to predict the impact of this variant on FLNC protein function. ClinVar contains an entry for this variant (Variation ID: 998879). This variant has not been reported in the literature in individuals affected with FLNC-related conditions. This variant is not present in population databases (gnomAD no frequency). This sequence change replaces glutamic acid, which is acidic and polar, with glutamine, which is neutral and polar, at codon 2104 of the FLNC protein (p.Glu2104Gln).

Blueprint Genetics
Classification: Uncertain significance. Last evaluated: 2020-09-22. Review status: criteria provided, single submitter. Criteria: ACMG Guidelines, 2015. Collection method: clinical testing. Allele origin: germline.

NM_001458.5(FLNC):c.6310G>C (p.Glu2104Gln)

Genes: FLNC (filamin C; plus strand), FLNC-AS1 (FLNC antisense RNA 1; minus strand). Cytogenetic location: 7q32.1.
Variant type: single nucleotide variant.
Coding change: c.6310G>C on transcript NM_001458.5 (MANE Select); coding-DNA position 6310, G replaced by C.
Protein change: p.Glu2104Gln; replaces glutamic acid 2104 with glutamine.
Molecular consequence: missense variant.
Genome position (GRCh38, 1-based): chr7:128,853,570, G>C. VCF-style: chr7-128853570-G-C. GRCh37 (hg19) VCF-style: chr7-128493624-G-C.
Other names: c.6211G>C, p.Glu2071Gln (NM_001127487.2); c.6310G>C (NM_001458.4); short protein forms E2071Q, E2104Q.
Identifiers: ClinVar variation 998879 (VCV000998879.10), dbSNP rs753069149, ClinGen allele CA369212140.